The following is an entry in ClinVar:

ClinVar aggregate classification (germline): Benign. Review status: criteria provided, multiple submitters, no conflicts (2 of 4 stars). 3 submissions from 2 submitters: Benign (3). Last evaluated 2018-01-12.

Conditions:
Amyotrophic lateral sclerosis type 8 (ALS8). Identifiers: Orphanet 803, MedGen C1837728, MONDO:0012077, OMIM 608627.
Adult-onset proximal spinal muscular atrophy, autosomal dominant. Also called: FINKEL LATE-ADULT TYPE SMA; Spinal muscular atrophy, late-onset, finkel type. Identifiers: Orphanet 209335, MedGen C1854058, MONDO:0008453, OMIM 182980.

Allele frequency attached by ClinVar (database versions not stated): ExAC 0.05550; gnomAD 0.09272; TOPMed 0.10618; 1000 Genomes Project 30x 0.12555; 1000 Genomes Project 0.12839.
gnomAD v4.1: 41,530 of 454,370 alleles (9.1%); highest among the groups gnomAD compares: East Asian, 26%; 2,469 homozygotes.

Submissions (3):

Illumina Laboratory Services, Illumina
Classification: Benign for Adult-onset proximal spinal muscular atrophy, autosomal dominant. Last evaluated: 2018-01-12. Review status: criteria provided, single submitter. Criteria: ICSL Variant Classification Criteria 13 December 2019. Collection method: clinical testing. Allele origin: germline.
Comment: This variant was observed in the ICSL laboratory as part of a predisposition screen in an ostensibly healthy population. It had not been previously curated by ICSL or reported in the Human Gene Mutation Database (HGMD: prior to June 1st, 2018), and was therefore a candidate for classification through an automated scoring system. Utilizing variant allele frequency, disease prevalence and penetrance estimates, and inheritance mode, an automated score was calculated to assess if this variant is too frequent to cause the disease. Based on the score and internal cut-off values, a variant classified as benign is not then subjected to further curation. The score for this variant resulted in a classification of benign for this disease.

Illumina Laboratory Services, Illumina
Classification: Benign for Amyotrophic lateral sclerosis type 8. Last evaluated: 2018-01-12. Review status: criteria provided, single submitter. Criteria: ICSL Variant Classification Criteria 13 December 2019. Collection method: clinical testing. Allele origin: germline.
Comment: the same text as in the submission from Illumina Laboratory Services, Illumina above.

Breakthrough Genomics
Classification: Benign. Review status: criteria provided, single submitter. Criteria: ACMG Guidelines, 2015. Collection method: not provided. Allele origin: germline. Inheritance: Autosomal dominant inheritance. Affected: yes.

NM_004738.5(VAPB):c.*1265G>C

Gene: VAPB (VAMP associated protein B and C; plus strand). Cytogenetic location: 20q13.32.
Variant type: single nucleotide variant.
Coding change: c.*1265G>C on transcript NM_004738.5 (MANE Select); 1265 bases downstream of the stop codon, G replaced by C.
Molecular consequence: 3 prime UTR variant. On other transcripts: non-coding transcript variant (1).
Genome position (GRCh38, 1-based): chr20:58,445,500, G>C. VCF-style: chr20-58445500-G-C. GRCh37 (hg19) VCF-style: chr20-57020556-G-C.
Other names: c.*1335G>C (NM_001195677.2).
Identifiers: ClinVar variation 338946 (VCV000338946.7), dbSNP rs7400, ClinGen allele CA9924427.